The following is an entry in ClinVar:

NM_004304.5(ALK):c.832C>A (p.Pro278Thr)

Gene: ALK (ALK receptor tyrosine kinase; minus strand). Cytogenetic location: 2p23.2.
Variant type: single nucleotide variant.
Coding change: c.832C>A on transcript NM_004304.5 (MANE Select); coding-DNA position 832, C replaced by A.
Protein change: p.Pro278Thr; replaces proline 278 with threonine.
Molecular consequence: missense variant.
Genome position (GRCh38, 1-based): chr2:29,694,970, G>T on the plus strand (C>A on the coding strand, the complement: ALK is on the minus strand). VCF-style: chr2-29694970-G-T. GRCh37 (hg19) VCF-style: chr2-29917836-G-T.
Other names: short protein forms P278T.
Identifiers: ClinVar variation 1408528 (VCV001408528.8), dbSNP rs762417760, ClinGen allele CA346587050.

ClinVar aggregate classification (germline): Uncertain significance. Review status: criteria provided, multiple submitters, no conflicts (2 of 4 stars). 2 submissions from 2 submitters: Uncertain significance (2). Last evaluated 2022-02-06.

Conditions:
Hereditary cancer-predisposing syndrome. Also called: Neoplastic Syndromes, Hereditary; Hereditary neoplastic syndrome; Hereditary Cancer Syndrome; Tumor predisposition. Identifiers: Orphanet 140162, MedGen C0027672, MeSH D009386, MONDO:0015356.
Neuroblastoma, susceptibility to, 3. Also called: ALK-Related Neuroblastic Tumor Susceptibility. Identifiers: Orphanet 635, MedGen C2751681, MONDO:0013083, OMIM 613014.

gnomAD v4.1: 6 of 1,614,060 alleles (0.00037%); highest among the groups gnomAD compares: East Asian, 0.013%; no homozygotes.

Submissions (2):

Ambry Genetics
Classification: Uncertain significance for Hereditary cancer-predisposing syndrome. Last evaluated: 2022-02-06. Review status: criteria provided, single submitter. Criteria: Ambry Variant Classification Scheme 2023. Collection method: clinical testing. Allele origin: germline.
Comment: The p.P278T variant (also known as c.832C>A), located in coding exon 3 of the ALK gene, results from a C to A substitution at nucleotide position 832. The proline at codon 278 is replaced by threonine, an amino acid with highly similar properties. This amino acid position is conserved. In addition, this alteration is predicted to be tolerated by in silico analysis. Since supporting evidence is limited at this time, the clinical significance of this alteration remains unclear.

Labcorp Genetics (formerly Invitae), Labcorp
Classification: Uncertain significance for Neuroblastoma, susceptibility to, 3. Last evaluated: 2021-08-01. Review status: criteria provided, single submitter. Criteria: Invitae Variant Classification Sherloc (09022015). Collection method: clinical testing. Allele origin: germline.
Comment: This variant is not present in population databases (ExAC no frequency). This variant has not been reported in the literature in individuals affected with ALK-related conditions. Algorithms developed to predict the effect of missense changes on protein structure and function are either unavailable or do not agree on the potential impact of this missense change (SIFT: "Deleterious"; PolyPhen-2: "Possibly Damaging"; Align-GVGD: "Class C0"). In summary, the available evidence is currently insufficient to determine the role of this variant in disease. Therefore, it has been classified as a Variant of Uncertain Significance. This sequence change replaces proline with threonine at codon 278 of the ALK protein (p.Pro278Thr). The proline residue is moderately conserved and there is a small physicochemical difference between proline and threonine.